The following is an entry in ClinVar:

NM_138459.5(NUS1):c.398G>A (p.Ser133Asn)

Gene: NUS1 (NUS1 dehydrodolichyl diphosphate synthase subunit; plus strand). Cytogenetic location: 6q22.1.
Variant type: single nucleotide variant.
Coding change: c.398G>A on transcript NM_138459.5 (MANE Select); coding-DNA position 398, G replaced by A.
Protein change: p.Ser133Asn; replaces serine 133 with asparagine.
Molecular consequence: missense variant.
Genome position (GRCh38, 1-based): chr6:117,676,068, G>A. VCF-style: chr6-117676068-G-A. GRCh37 (hg19) VCF-style: chr6-117997231-G-A.
Other names: short protein forms S133N.
Identifiers: ClinVar variation 4725240 (VCV004725240.1).

ClinVar aggregate classification (germline): Uncertain significance (1 of 4 stars; one submission).

Conditions:
Congenital disorder of glycosylation, type Iaa. Also called: Congenital disorder of glycosylation, type 1aa. Identifiers: MedGen C4310727, MONDO:0014904, OMIM 617082.

Submission:

Labcorp Genetics (formerly Invitae), Labcorp
Classification: Uncertain significance for Congenital disorder of glycosylation, type Iaa. Last evaluated: 2025-08-18. Review status: criteria provided, single submitter. Criteria: Invitae Variant Classification Sherloc (09022015). Collection method: clinical testing. Allele origin: germline.
Comment: This sequence change replaces serine, which is neutral and polar, with asparagine, which is neutral and polar, at codon 133 of the NUS1 protein (p.Ser133Asn). This variant is not present in population databases (gnomAD no frequency). This variant has not been reported in the literature in individuals affected with NUS1-related conditions. An algorithm developed to predict the effect of missense changes on protein structure and function (PolyPhen-2) suggests that this variant is likely to be disruptive. In summary, the available evidence is currently insufficient to determine the role of this variant in disease. Therefore, it has been classified as a Variant of Uncertain Significance.